The following is an entry in ClinVar:

ClinVar aggregate classification (germline): Uncertain significance (1 of 4 stars; one submission).

Allele frequency attached by ClinVar (database versions not stated): ESP Exome Variant Server 0.00008.
gnomAD v4.1: 37 of 1,612,576 alleles (0.0023%); highest among the groups gnomAD compares: Non-Finnish European, 0.0029%; no homozygotes.

Submission:

Labcorp Genetics (formerly Invitae), Labcorp
Classification: Uncertain significance. Last evaluated: 2023-06-14. Review status: criteria provided, single submitter. Criteria: Invitae Variant Classification Sherloc (09022015). Collection method: clinical testing. Allele origin: germline.
Comment: In summary, the available evidence is currently insufficient to determine the role of this variant in disease. Therefore, it has been classified as a Variant of Uncertain Significance. An algorithm developed to predict the effect of missense changes on protein structure and function (PolyPhen-2) suggests that this variant is likely to be tolerated. This variant has not been reported in the literature in individuals affected with NUP133-related conditions. This variant is not present in population databases (gnomAD no frequency). This sequence change replaces histidine, which is basic and polar, with aspartic acid, which is acidic and polar, at codon 241 of the NUP133 protein (p.His241Asp).

NM_018230.3(NUP133):c.721C>G (p.His241Asp)

Gene: NUP133 (nucleoporin 133; minus strand). Cytogenetic location: 1q42.13.
Variant type: single nucleotide variant.
Coding change: c.721C>G on transcript NM_018230.3 (MANE Select); coding-DNA position 721, C replaced by G.
Protein change: p.His241Asp; replaces histidine 241 with aspartic acid.
Molecular consequence: missense variant.
Genome position (GRCh38, 1-based): chr1:229,498,234, G>C on the plus strand (C>G on the coding strand, the complement: NUP133 is on the minus strand). VCF-style: chr1-229498234-G-C. GRCh37 (hg19) VCF-style: chr1-229633981-G-C.
Other names: short protein forms H241D.
Identifiers: ClinVar variation 2919721 (VCV002919721.3), dbSNP rs143250550, ClinGen allele CA38819718.